The following is an entry in ClinVar:

NM_007055.4(POLR3A):c.4024+4G>C

Gene: POLR3A (RNA polymerase III subunit A; minus strand). Cytogenetic location: 10q22.3.
Variant type: single nucleotide variant.
Coding change: c.4024+4G>C on transcript NM_007055.4 (MANE Select); 4 bases into the intron after coding-DNA position 4024, G replaced by C.
Molecular consequence: intron variant.
Genome position (GRCh38, 1-based): chr10:77,980,137, C>G on the plus strand (G>C on the coding strand, the complement: POLR3A is on the minus strand). VCF-style: chr10-77980137-C-G. GRCh37 (hg19) VCF-style: chr10-79739895-C-G.
Identifiers: ClinVar variation 2014813 (VCV002014813.4), dbSNP rs2493180700, ClinGen allele CA2580082008.
Genomic context (GRCh38, chr10:77,980,137, plus strand): 5'-TAGCCATGGTCTATTTGTAAATAGTAAAGGCCTTTGATGCTGTTCATAGAAACATCAAAC[C>G]TACCACACACAGAGTCCTTCTGCCCGAAGTAGGCAGCGTCAAAGAGATGGTCAGCCGTCT-3'

ClinVar aggregate classification (germline): Uncertain significance (1 of 4 stars; one submission).

Submission:

Labcorp Genetics (formerly Invitae), Labcorp
Classification: Uncertain significance. Last evaluated: 2024-10-17. Review status: criteria provided, single submitter. Criteria: Invitae Variant Classification Sherloc (09022015). Collection method: clinical testing. Allele origin: germline.
Comment: This sequence change falls in intron 30 of the POLR3A gene. It does not directly change the encoded amino acid sequence of the POLR3A protein. It affects a nucleotide within the consensus splice site. This variant is not present in population databases (gnomAD no frequency). This variant has not been reported in the literature in individuals affected with POLR3A-related conditions. ClinVar contains an entry for this variant (Variation ID: 2014813). Variants that disrupt the consensus splice site are a relatively common cause of aberrant splicing (PMID: 17576681, 9536098). Algorithms developed to predict the effect of sequence changes on RNA splicing suggest that this variant is not likely to affect RNA splicing. In summary, the available evidence is currently insufficient to determine the role of this variant in disease. Therefore, it has been classified as a Variant of Uncertain Significance.

Literature cited by the submitters: PubMed 17576681; PubMed 9536098.